The following is an entry in ClinVar:

ClinVar aggregate classification (germline): Pathogenic (1 of 4 stars; one submission).

Submission:

Labcorp Genetics (formerly Invitae), Labcorp
Classification: Pathogenic. Last evaluated: 2022-09-15. Review status: criteria provided, single submitter. Criteria: Invitae Variant Classification Sherloc (09022015). Collection method: clinical testing. Allele origin: germline.
Comment: For these reasons, this variant has been classified as Pathogenic. This variant, c.175_195del, results in the deletion of 7 amino acid(s) of the TPP1 protein (p.Glu59_Val65del), but otherwise preserves the integrity of the reading frame. This variant is not present in population databases (gnomAD no frequency). This variant has not been reported in the literature in individuals affected with TPP1-related conditions. Algorithms developed to predict the effect of sequence changes on RNA splicing suggest that this variant may disrupt the consensus splice site. This variant disrupts a region of the TPP1 protein in which other variant(s) (p.Leu61Arg) have been determined to be pathogenic (Invitae). This suggests that this is a clinically significant region of the protein, and that variants that disrupt it are likely to be disease-causing.

NM_000391.4(TPP1):c.175_195del (p.Glu59_Val65del)

Gene: TPP1 (tripeptidyl peptidase 1; minus strand). Cytogenetic location: 11p15.4.
Variant type: Deletion.
Coding change: c.175_195del on transcript NM_000391.4 (MANE Select); coding-DNA positions 175 to 195, 21 bases deleted (GAAAGACTCTCGGAGCTGGTG).
Protein change: p.Glu59_Val65del.
Molecular consequence: inframe deletion.
Genome position (GRCh38, 1-based): chr11:6,618,810-6,618,830, CACCAGCTCCGAGAGTCTTTC deleted on the plus strand (GAAAGACTCTCGGAGCTGGTG on the coding strand, the reverse complement: TPP1 is on the minus strand); deleting any 21 consecutive bases within chr11:6,618,810-6,618,833 gives the same sequence; the c. name uses the placement nearest the transcript's 3' end. VCF-style (leftmost placement, unchanged base first): chr11-6618809-GCACCAGCTCCGAGAGTCTTTC-G. GRCh37 (hg19) VCF-style: chr11-6640040-GCACCAGCTCCGAGAGTCTTTC-G.
Identifiers: ClinVar variation 2028961 (VCV002028961.4), dbSNP rs2493801952, ClinGen allele CA2580083980.